The following is an entry in ClinVar:

NM_000059.4(BRCA2):c.2396A>T (p.Lys799Ile)

Gene: BRCA2 (BRCA2 DNA repair associated; plus strand). Cytogenetic location: 13q13.1.
Variant type: single nucleotide variant.
Coding change: c.2396A>T on transcript NM_000059.4 (MANE Select); coding-DNA position 2396, A replaced by T.
Protein change: p.Lys799Ile; replaces lysine 799 with isoleucine.
Molecular consequence: missense variant. On other transcripts: non-coding transcript variant (1), intron variant (2).
Genome position (GRCh38, 1-based): chr13:32,336,751, A>T. VCF-style: chr13-32336751-A-T. GRCh37 (hg19) VCF-style: chr13-32910888-A-T.
Other names: c.2396A>T, p.Lys799Ile (NM_001406719.1, NM_001406720.1, NM_001432077.1); c.1909+3364A>T (NM_001406721.1); c.424+5721A>T (NM_001406722.1); short protein forms K799I.
Identifiers: ClinVar variation 4215924 (VCV004215924.1).
Genomic context (GRCh38, chr13:32,336,751, plus strand): 5'-TGTCAAACCTAGTCATGATTTCTAGAGGCAAAGAATCATACAAAATGTCAGACAAGCTCA[A>T]AGGTAACAATTATGAATCTGATGTTGAATTAACCAAAAATATTCCCATGGAAAAGAATCA-3'
Protein context (NP_000050.3, residues 789-809): KESYKMSDKL[Lys799Ile]GNNYESDVEL

ClinVar aggregate classification (germline): Uncertain significance (1 of 4 stars; one submission).

Conditions:
Hereditary cancer-predisposing syndrome. Also called: Hereditary Cancer Syndrome; Hereditary neoplastic syndrome; Neoplastic Syndromes, Hereditary; Tumor predisposition. Identifiers: Orphanet 140162, MedGen C0027672, MeSH D009386, MONDO:0015356.

Submission:

Ambry Genetics
Classification: Uncertain significance for Hereditary cancer-predisposing syndrome. Last evaluated: 2025-08-25. Review status: criteria provided, single submitter. Criteria: Ambry Variant Classification Scheme 2023. Collection method: clinical testing. Allele origin: germline.
Comment: The p.K799I variant (also known as c.2396A>T), located in coding exon 10 of the BRCA2 gene, results from an A to T substitution at nucleotide position 2396. The lysine at codon 799 is replaced by isoleucine, an amino acid with dissimilar properties. This amino acid position is conserved. In addition, this alteration is predicted to be tolerated by in silico analysis. Based on the available evidence, the clinical significance of this variant remains unclear.